The following is an entry in ClinVar:

ClinVar aggregate classification (germline): Uncertain significance. Review status: criteria provided, multiple submitters, no conflicts (2 of 4 stars). 3 submissions from 3 submitters: Uncertain significance (3). Last evaluated 2025-11-26.

Conditions:
CEP250-related disorder. Also called: CEP250-related condition.

Allele frequency attached by ClinVar (database versions not stated): TOPMed 0.00005; ESP Exome Variant Server 0.00008.
gnomAD v4.1: 69 of 1,610,836 alleles (0.0043%); highest among the groups gnomAD compares: Non-Finnish European, 0.0056%; no homozygotes.

Submissions (3):

PreventionGenetics, part of Exact Sciences
Classification: Uncertain significance for CEP250-related condition. Last evaluated: 2025-11-26. Review status: criteria provided, single submitter. Criteria: ACMG Guidelines, 2015. Collection method: clinical testing. Allele origin: germline.
Comment: The CEP250 c.5606G>A variant is predicted to result in the amino acid substitution p.Arg1869Gln. To our knowledge, this variant has not been reported in the literature. This variant is reported in 0.0063% of alleles in individuals of European (Non-Finnish) descent in gnomAD. At this time, the clinical significance of this variant is uncertain due to the absence of conclusive functional and genetic evidence.

Blueprint Genetics
Classification: Uncertain significance. Last evaluated: 2024-10-14. Review status: criteria provided, single submitter. Criteria: ACMG Guidelines, 2015. Collection method: clinical testing. Allele origin: germline.

Labcorp Genetics (formerly Invitae), Labcorp
Classification: Uncertain significance. Last evaluated: 2022-07-20. Review status: criteria provided, single submitter. Criteria: Invitae Variant Classification Sherloc (09022015). Collection method: clinical testing. Allele origin: germline.
Comment: This sequence change replaces arginine, which is basic and polar, with glutamine, which is neutral and polar, at codon 1869 of the CEP250 protein (p.Arg1869Gln). This variant is present in population databases (rs375122917, gnomAD 0.006%). This variant has not been reported in the literature in individuals affected with CEP250-related conditions. ClinVar contains an entry for this variant (Variation ID: 1002094). Algorithms developed to predict the effect of missense changes on protein structure and function output the following: SIFT: "Not Available"; PolyPhen-2: "Benign"; Align-GVGD: "Not Available". The glutamine amino acid residue is found in multiple mammalian species, which suggests that this missense change does not adversely affect protein function. In summary, the available evidence is currently insufficient to determine the role of this variant in disease. Therefore, it has been classified as a Variant of Uncertain Significance.

NM_007186.6(CEP250):c.5606G>A (p.Arg1869Gln)

Gene: CEP250 (centrosomal protein 250; plus strand). Cytogenetic location: 20q11.22.
Variant type: single nucleotide variant.
Coding change: c.5606G>A on transcript NM_007186.6 (MANE Select); coding-DNA position 5606, G replaced by A.
Protein change: p.Arg1869Gln; replaces arginine 1869 with glutamine.
Molecular consequence: missense variant.
Genome position (GRCh38, 1-based): chr20:35,503,975, G>A. VCF-style: chr20-35503975-G-A. GRCh37 (hg19) VCF-style: chr20-34091803-G-A.
Other names: c.3710G>A, p.Arg1237Gln (NM_001318219.1); c.5606G>A (NM_007186.5); short protein forms R1237Q, R1869Q.
Identifiers: ClinVar variation 1002094 (VCV001002094.6), dbSNP rs375122917, ClinGen allele CA9833901.